The following is an entry in ClinVar:

NM_005120.3(MED12):c.6139A>G (p.Ile2047Val)

Gene: MED12 (mediator complex subunit 12; plus strand). Cytogenetic location: Xq13.1.
Variant type: single nucleotide variant.
Coding change: c.6139A>G on transcript NM_005120.3 (MANE Select); coding-DNA position 6139, A replaced by G.
Protein change: p.Ile2047Val; replaces isoleucine 2047 with valine.
Molecular consequence: missense variant.
Genome position (GRCh38, 1-based): chrX:71,140,729, A>G. VCF-style: chrX-71140729-A-G. GRCh37 (hg19) VCF-style: chrX-70360579-A-G.
Other names: short protein forms I2047V.
Identifiers: ClinVar variation 213628 (VCV000213628.12), dbSNP rs748668603, ClinGen allele CA322181.

ClinVar aggregate classification (germline): Conflicting classifications of pathogenicity. Review status: criteria provided, conflicting classifications (1 of 4 stars). 4 submissions from 4 submitters: Uncertain significance (1); Benign (2); Likely benign (1). Last evaluated 2025-11-24.

Conditions:
FG syndrome (FGS). Identifiers: MedGen C0220769, MONDO:0002010.
Familial thoracic aortic aneurysm and aortic dissection (TAAD). Also called: Thoracic aortic aneurysms and dissections. Identifiers: Orphanet 91387, MedGen C4707243, MONDO:0019625.

Allele frequency attached by ClinVar (database versions not stated): gnomAD exomes 0.00001 and 0.00008; gnomAD 0.00005; TOPMed 0.00006; ExAC 0.00007.
gnomAD v4.1: 18 of 1,207,196 alleles (0.0015%); highest among the groups gnomAD compares: East Asian, 0.048%; no homozygotes.

Submissions (4):

Ambry Genetics
Classification: Benign for Familial thoracic aortic aneurysm and aortic dissection. Last evaluated: 2025-11-24. Review status: criteria provided, single submitter. Criteria: Ambry Variant Classification Scheme 2023. Collection method: clinical testing. Allele origin: germline.

Labcorp Genetics (formerly Invitae), Labcorp
Classification: Benign for FG syndrome. Last evaluated: 2025-10-29. Review status: criteria provided, single submitter. Criteria: Invitae Variant Classification Sherloc (09022015). Collection method: clinical testing. Allele origin: germline.

Blueprint Genetics
Classification: Likely benign. Last evaluated: 2024-10-30. Review status: criteria provided, single submitter. Criteria: ACMG Guidelines, 2015. Collection method: clinical testing. Allele origin: germline.

GeneDx
Classification: Uncertain significance. Last evaluated: 2016-12-19. Review status: criteria provided, single submitter. Criteria: GeneDx Variant Classification (06012015). Collection method: clinical testing. Allele origin: germline. Affected: yes.
Comment: p.Ile2047Val (ATC>GTC): c.6139 A>G in exon 42 in the MED12 gene (NM_005120.2) A variant of uncertain significance has been identified in the MED12 gene. The I2047V variant has not been published as a pathogenic variant, nor has it been reported as a benign variant to our knowledge. This variant was not observed in approximately 6,500 individuals of European and African American ancestry in the NHLBI Exome Sequencing Project, indicating it is not a common benign variant in these populations. However, the I2047V variant has been reported in 0.1% alleles from individuals of East Asian ancestry, including three hemizygous individuals, in the Exome Aggregation Consortium. The I2047V variant is a conservative amino acid substitution, which is not likely to impact secondary protein structure as these residues share similar properties. This substitution occurs at a position where amino acids with similar properties to Isoleucine are tolerated across species. In silico analysis is inconsistent in its predictions as to whether or not the variant is damaging to the protein structure/function. Nevertheless, the phenotypic and pathogenic variant spectrum of MED12-related disorders is not well established in females and correlation with the clinical features in this individual is recommended.